The following is an entry in ClinVar:

ClinVar aggregate classification (germline): Likely benign (1 of 4 stars; one submission).

gnomAD v4.1: 10,525 of 1,551,648 alleles (0.68%); highest among the groups gnomAD compares: Non-Finnish European, 0.84%; 48 homozygotes.

Submission:

CeGaT Center for Human Genetics Tuebingen
Classification: Likely benign. Last evaluated: 2025-04-01. Review status: criteria provided, single submitter. Criteria: CeGaT Center For Human Genetics Tuebingen Variant Classification Criteria Version 2. Collection method: clinical testing. Allele origin: germline. Affected: yes. Observed: 1 variant allele.
Comment: IGFN1: BP4, BS2

NM_001164586.2(IGFN1):c.31C>A (p.Pro11Thr)

Gene: IGFN1 (immunoglobulin like and fibronectin type III domain containing 1; plus strand). Cytogenetic location: 1q32.1.
Variant type: single nucleotide variant.
Coding change: c.31C>A on transcript NM_001164586.2 (MANE Select); coding-DNA position 31, C replaced by A.
Protein change: p.Pro11Thr; replaces proline 11 with threonine.
Molecular consequence: missense variant.
Genome position (GRCh38, 1-based): chr1:201,194,177, C>A. VCF-style: chr1-201194177-C-A. GRCh37 (hg19) VCF-style: chr1-201163305-C-A.
Other names: c.31C>A, p.Pro11Thr (NM_001367841.1); short protein forms P11T.
Identifiers: ClinVar variation 3898086 (VCV003898086.7).
Genomic context (GRCh38, chr1:201,194,177, plus strand): 5'-TGGAAGGCCCCATCTCCTTCCCTCCTGCATTCTCCAGGAAAGCTCCGGAAGTCCCACATC[C>A]CTGGAGTGAGCATCTGGCAGCTGGTGGAGGAGATCCCTGAAGGCTGCAGCACGCCGGACT-3'
Protein context (NP_001158058.1, residues 1-21): MAGKLRKSHI[Pro11Thr]GVSIWQLVEE